The following is an entry in ClinVar:

ClinVar aggregate classification (germline): Uncertain significance. Review status: criteria provided, multiple submitters, no conflicts (2 of 4 stars). 2 submissions from 2 submitters: Uncertain significance (2). Last evaluated 2024-04-11.

Allele frequency attached by ClinVar (database versions not stated): ESP Exome Variant Server 0.00008.
gnomAD v4.1: 57 of 1,614,072 alleles (0.0035%); highest among the groups gnomAD compares: Non-Finnish European, 0.0042%; no homozygotes.

Submissions (2):

GeneDx
Classification: Uncertain significance. Last evaluated: 2024-04-11. Review status: criteria provided, single submitter. Criteria: GeneDx Variant Classification Process June 2021. Collection method: clinical testing. Allele origin: germline. Affected: yes.
Comment: Not observed at significant frequency in large population cohorts (gnomAD); In silico analysis indicates that this missense variant does not alter protein structure/function; Has not been previously published as pathogenic or benign to our knowledge

CeGaT Center for Human Genetics Tuebingen
Classification: Uncertain significance. Last evaluated: 2023-07-01. Review status: criteria provided, single submitter. Criteria: CeGaT Center For Human Genetics Tuebingen Variant Classification Criteria Version 2. Collection method: clinical testing. Allele origin: germline. Affected: yes. Observed: 1 variant allele.

NM_015937.6(PIGT):c.1370C>A (p.Thr457Lys)

Gene: PIGT (phosphatidylinositol glycan anchor biosynthesis class T; plus strand). Cytogenetic location: 20q13.12.
Variant type: single nucleotide variant.
Coding change: c.1370C>A on transcript NM_015937.6 (MANE Select); coding-DNA position 1370, C replaced by A.
Protein change: p.Thr457Lys; replaces threonine 457 with lysine.
Molecular consequence: missense variant. On other transcripts: non-coding transcript variant (5).
Genome position (GRCh38, 1-based): chr20:45,424,351, C>A. VCF-style: chr20-45424351-C-A. GRCh37 (hg19) VCF-style: chr20-44052991-C-A.
Other names: c.1370C>A (NM_015937.5); c.1202C>A, p.Thr401Lys (NM_001184728.3); c.1169C>A, p.Thr390Lys (NM_001184729.3); c.1064C>A, p.Thr355Lys (NM_001184730.3); short protein forms T355K, T390K, T401K, T457K.
Identifiers: ClinVar variation 2652351 (VCV002652351.25), dbSNP rs142282580, ClinGen allele CA9878228.
Genomic context (GRCh38, chr20:45,424,351, plus strand): 5'-ACTCAGTCACCAAGGTTTCCATCCAGTTTGAGCGGGCGCTGCTGAAGTGGACCGAGTACA[C>A]GCCAGATCCTAACCATGGCTTCTATGTCAGGTGGGCTCCACCCCCACAGGCCACCTCTCA-3'
Protein context (NP_057021.2, residues 447-467): ERALLKWTEY[Thr457Lys]PDPNHGFYVS